The following is an entry in ClinVar:

NM_001256715.2(DNAAF3):c.598_611del (p.Ser200fs)

Genes: DNAAF3 (dynein axonemal assembly factor 3; minus strand), DNAAF3-AS1 (DNAAF3 antisense RNA 1; plus strand). Cytogenetic location: 19q13.42.
Variant type: Deletion.
Coding change: c.598_611del on transcript NM_001256715.2 (MANE Select); coding-DNA positions 598 to 611, 14 bases deleted (TCCCGCTACGACGC).
Protein change: p.Ser200fs; shifts the reading frame from serine 200.
Molecular consequence: frameshift variant.
Genome position (GRCh38, 1-based): chr19:55,161,695-55,161,708, GCGTCGTAGCGGGA deleted on the plus strand (TCCCGCTACGACGC on the coding strand, the reverse complement: DNAAF3 is on the minus strand); deleting any 14 consecutive bases within chr19:55,161,695-55,161,710 gives the same sequence; the c. name uses the placement nearest the transcript's 3' end. VCF-style (leftmost placement, unchanged base first): chr19-55161694-GGCGTCGTAGCGGGA-G. GRCh37 (hg19) VCF-style: chr19-55673062-GGCGTCGTAGCGGGA-G.
Other names: c.802_815del, p.Ser268fs (NM_001256714.1); c.436_449del, p.Ser146fs (NM_001256716.2); c.739_752del, p.Ser247fs (NM_178837.4); short protein forms S146fs, S200fs, S247fs, S268fs.
Identifiers: ClinVar variation 1073849 (VCV001073849.7), dbSNP rs772829541, ClinGen allele CA310153908.

ClinVar aggregate classification (germline): Pathogenic (1 of 4 stars; one submission).

Conditions:
Primary ciliary dyskinesia. Also called: Ciliary dyskinesia. Identifiers: Orphanet 244, MedGen C0008780, MONDO:0016575, HP:0012265.

Submission:

Labcorp Genetics (formerly Invitae), Labcorp
Classification: Pathogenic for Primary ciliary dyskinesia. Last evaluated: 2020-01-20. Review status: criteria provided, single submitter. Criteria: Invitae Variant Classification Sherloc (09022015). Collection method: clinical testing. Allele origin: germline.
Comment: This variant has not been reported in the literature in individuals with DNAAF3-related conditions. For these reasons, this variant has been classified as Pathogenic. Loss-of-function variants in DNAAF3 are known to be pathogenic (PMID: 22387996). This sequence change creates a premature translational stop signal (p.Ser268Profs*15) in the DNAAF3 gene. It is expected to result in an absent or disrupted protein product.

Literature cited by the submitters: PubMed 22387996.